The following is an entry in ClinVar:

NM_201548.5(CERKL):c.980G>A (p.Gly327Asp)

Gene: CERKL (CERK like autophagy regulator; minus strand). Cytogenetic location: 2q31.3.
Variant type: single nucleotide variant.
Coding change: c.980G>A on transcript NM_201548.5 (MANE Select); coding-DNA position 980, G replaced by A.
Protein change: p.Gly327Asp; replaces glycine 327 with aspartic acid.
Molecular consequence: missense variant. On other transcripts: non-coding transcript variant (2).
Genome position (GRCh38, 1-based): chr2:181,548,773, C>T on the plus strand (G>A on the coding strand, the complement: CERKL is on the minus strand). VCF-style: chr2-181548773-C-T. GRCh37 (hg19) VCF-style: chr2-182413500-C-T.
Other names: c.1058G>A, p.Gly353Asp (NM_001030311.3); c.641G>A, p.Gly214Asp (NM_001030312.3); c.773G>A, p.Gly258Asp (NM_001030313.3); c.*262G>A (NM_001030314.1, NM_001030315.1); c.926G>A, p.Gly309Asp (NM_001160277.2); short protein forms G353D, G214D, G327D, G258D, G309D.
Identifiers: ClinVar variation 1936617 (VCV001936617.5), dbSNP rs759320359, ClinGen allele CA2010598.

ClinVar aggregate classification (germline): Uncertain significance. Review status: criteria provided, multiple submitters, no conflicts (2 of 4 stars). 2 submissions from 2 submitters: Uncertain significance (2). Last evaluated 2022-10-03.

Allele frequency attached by ClinVar (database versions not stated): gnomAD exomes below 0.00001; gnomAD 0.00001; ExAC 0.00002.
gnomAD v4.1: 6 of 1,613,914 alleles (0.00037%); highest among the groups gnomAD compares: African/African-American, 0.0053%; no homozygotes.

Submissions (2):

Labcorp Genetics (formerly Invitae), Labcorp
Classification: Uncertain significance. Last evaluated: 2022-10-03. Review status: criteria provided, single submitter. Criteria: Invitae Variant Classification Sherloc (09022015). Collection method: clinical testing. Allele origin: germline.
Comment: This sequence change replaces glycine, which is neutral and non-polar, with aspartic acid, which is acidic and polar, at codon 353 of the CERKL protein (p.Gly353Asp). This variant is present in population databases (rs759320359, gnomAD 0.02%). This variant has not been reported in the literature in individuals affected with CERKL-related conditions. Advanced modeling of protein sequence and biophysical properties (such as structural, functional, and spatial information, amino acid conservation, physicochemical variation, residue mobility, and thermodynamic stability) performed at Invitae indicates that this missense variant is expected to disrupt CERKL protein function. In summary, the available evidence is currently insufficient to determine the role of this variant in disease. Therefore, it has been classified as a Variant of Uncertain Significance.

Blueprint Genetics
Classification: Uncertain significance. Last evaluated: 2017-12-05. Review status: criteria provided, single submitter. Criteria: ACMG Guidelines, 2015. Collection method: clinical testing. Allele origin: germline.